The following is an entry in ClinVar:

ClinVar aggregate classification (germline): Uncertain significance (1 of 4 stars; one submission).

Conditions:
Muscle AMP deaminase deficiency (MMDD). Also called: Myoadenylate deaminase deficiency, myopathy due to; Adenosine monophosphate deaminase 1 deficiency; AMP deaminase 1 deficiency; Adenosine Monophosphate Deaminase 1; AMPD1 DEFICIENCY; ADENOSINE MONOPHOSPHATE DEAMINASE-1 DEFICIENCY, MYOPATHY DUE TO. Identifiers: Orphanet 45, MedGen C3714933, MONDO:0014220, OMIM 615511.

gnomAD v4.1: 42 of 1,614,092 alleles (0.0026%); highest among the groups gnomAD compares: Non-Finnish European, 0.0035%; no homozygotes.

Submission:

Labcorp Genetics (formerly Invitae), Labcorp
Classification: Uncertain significance for Muscle AMP deaminase deficiency. Last evaluated: 2025-03-07. Review status: criteria provided, single submitter. Criteria: Invitae Variant Classification Sherloc (09022015). Collection method: clinical testing. Allele origin: germline.
Comment: This sequence change replaces tyrosine, which is neutral and polar, with serine, which is neutral and polar, at codon 251 of the AMPD1 protein (p.Tyr251Ser). This variant is present in population databases (rs764864128, gnomAD 0.004%). This variant has not been reported in the literature in individuals affected with AMPD1-related conditions. Invitae Evidence Modeling of protein sequence and biophysical properties (such as structural, functional, and spatial information, amino acid conservation, physicochemical variation, residue mobility, and thermodynamic stability) indicates that this missense variant is not expected to disrupt AMPD1 protein function with a negative predictive value of 80%. In summary, the available evidence is currently insufficient to determine the role of this variant in disease. Therefore, it has been classified as a Variant of Uncertain Significance.

NM_000036.3(AMPD1):c.653A>C (p.Tyr218Ser)

Gene: AMPD1 (adenosine monophosphate deaminase 1; minus strand). Cytogenetic location: 1p13.2.
Variant type: single nucleotide variant.
Coding change: c.653A>C on transcript NM_000036.3 (MANE Select); coding-DNA position 653, A replaced by C.
Protein change: p.Tyr218Ser; replaces tyrosine 218 with serine.
Molecular consequence: missense variant.
Genome position (GRCh38, 1-based): chr1:114,680,373, T>G on the plus strand (A>C on the coding strand, the complement: AMPD1 is on the minus strand). VCF-style: chr1-114680373-T-G. GRCh37 (hg19) VCF-style: chr1-115222994-T-G.
Other names: c.641A>C, p.Tyr214Ser (NM_001172626.2); short protein forms Y218S, Y214S.
Identifiers: ClinVar variation 4706427 (VCV004706427.1).